The following is an entry in ClinVar:

NM_000088.4(COL1A1):c.859-3C>G

Genes: COL1A1 (collagen type I alpha 1 chain; minus strand), LOC126862586 (CDK7 strongly-dependent group 2 enhancer GRCh37_chr17:48273702-48274901; plus strand). Cytogenetic location: 17q21.33.
Variant type: single nucleotide variant.
Coding change: c.859-3C>G on transcript NM_000088.4 (MANE Select); 3 bases into the intron before coding-DNA position 859, C replaced by G.
Molecular consequence: intron variant.
Genome position (GRCh38, 1-based): chr17:50,196,531, G>C on the plus strand (C>G on the coding strand, the complement: COL1A1 is on the minus strand). VCF-style: chr17-50196531-G-C. GRCh37 (hg19) VCF-style: chr17-48273892-G-C.
Identifiers: ClinVar variation 4280681 (VCV004280681.2).
Genomic context (GRCh38, chr17:50,196,531, plus strand): 5'-TGGGCACACTCACCATCTGACCAGGAGCTCCATTTTCACCAGGGCTGCCAGGCTCACCCT[G>C]TAGATCAGAGAATAATGAGTGAGAAATTCATTCATGGTGGGACTCTGGGGATGTGGAGGA-3'

ClinVar aggregate classification (germline): Uncertain significance. Review status: criteria provided, multiple submitters, no conflicts (2 of 4 stars). 2 submissions from 2 submitters: Uncertain significance (2). Last evaluated 2025-03-01.

Conditions:
Osteogenesis imperfecta type I (OI1). Also called: OI, TYPE I; OSTEOGENESIS IMPERFECTA TARDA; OSTEOGENESIS IMPERFECTA WITH BLUE SCLERAE; Osteogenesis imperfecta type 1; Lobstein's Disease; Lobstein disease. Identifiers: Orphanet 216796, Orphanet 666, MedGen C0023931, MONDO:0008146, OMIM 166200. Disease mechanism: loss of function.

Submissions (2):

Laboratory of Genetic Skeletal Anomaly, Seoul National University Children's Hospital
Classification: Uncertain significance for Osteogenesis imperfecta type I. Last evaluated: 2025-03-01. Review status: criteria provided, single submitter. Criteria: ACMG Guidelines, 2015. Collection method: research. Allele origin: germline. Affected: yes.
Comment: This variant is a novel variant not previously reported in the literature or population databases. It was classified based on available in silico predictions and absence from gnomAD.

Blueprint Genetics
Classification: Uncertain significance. Last evaluated: 2023-01-24. Review status: criteria provided, single submitter. Criteria: ACMG Guidelines, 2015. Collection method: clinical testing. Allele origin: germline.